The following is an entry in ClinVar:

NM_001267550.2(TTN):c.60059G>A (p.Gly20020Asp)

Genes: TTN (titin; minus strand), TTN-AS1 (TTN antisense RNA 1; plus strand), LOC126806424 (CDK7 strongly-dependent group 2 enhancer GRCh37_chr2:179456337-179457536; plus strand). Cytogenetic location: 2q31.2.
Variant type: single nucleotide variant.
Coding change: c.60059G>A on transcript NM_001267550.2 (MANE Select); coding-DNA position 60059, G replaced by A.
Protein change: p.Gly20020Asp; replaces glycine 20020 with aspartic acid.
Molecular consequence: missense variant.
Genome position (GRCh38, 1-based): chr2:178,591,760, C>T on the plus strand (G>A on the coding strand, the complement: TTN is on the minus strand). VCF-style: chr2-178591760-C-T. GRCh37 (hg19) VCF-style: chr2-179456487-C-T.
Other names: c.55136G>A, p.Gly18379Asp (NM_001256850.1); c.32864G>A, p.Gly10955Asp (NM_003319.4); c.52355G>A, p.Gly17452Asp (NM_133378.4); c.33239G>A, p.Gly11080Asp (NM_133432.3); c.33440G>A, p.Gly11147Asp (NM_133437.4); short protein forms G10955D, G11080D, G11147D, G17452D, G18379D, G20020D.
Identifiers: ClinVar variation 1172853 (VCV001172853.2), dbSNP rs1430427636, ClinGen allele CA349487494.

ClinVar aggregate classification (germline): Uncertain significance. Review status: criteria provided, multiple submitters, no conflicts (2 of 4 stars). 2 submissions from 2 submitters: Uncertain significance (2). Last evaluated 2024-06-11.

Conditions:
Myopathy, myofibrillar, 9, with early respiratory failure (MFM9). Also called: EDSTROM MYOPATHY; MYOPATHY, PROXIMAL, WITH EARLY RESPIRATORY MUSCLE INVOLVEMENT; Hereditary myopathy with early respiratory failure; Myopathy, distal, with early respiratory failure, autosomal dominant. Identifiers: Orphanet 178464, Orphanet 34521, MedGen C1863599, MONDO:0011362, OMIM 603689.
Hypertrophic cardiomyopathy 9. Also called: Familial hypertrophic cardiomyopathy 9. Identifiers: MedGen C1861065, MONDO:0013412, OMIM 613765.
Dilated cardiomyopathy 1G (CMD1G). Identifiers: Orphanet 154, MedGen C1858763, MONDO:0011400, OMIM 604145.
Tibial muscular dystrophy (TMD). Also called: Udd Distal Myopathy – Tibial Muscular Dystrophy; UDD MYOPATHY; Tibial muscular dystrophy, tardive. Identifiers: Orphanet 609, MedGen C1838244, MONDO:0010870, OMIM 600334.
Early-onset myopathy with fatal cardiomyopathy (CMYO5). Also called: Salih Myopathy; CONGENITAL MYOPATHY 5 WITH CARDIOMYOPATHY. Identifiers: Orphanet 289377, MedGen C2673677, MONDO:0012714, OMIM 611705. Disease mechanism: loss of function.
Autosomal recessive limb-girdle muscular dystrophy type 2J (LGMDR10). Also called: Limb-girdle muscular dystrophy, type 2J; MUSCULAR DYSTROPHY, LIMB-GIRDLE, AUTOSOMAL RECESSIVE 10. Identifiers: Orphanet 140922, MedGen C1837342, MONDO:0012127, OMIM 608807.

Allele frequency attached by ClinVar (database versions not stated): gnomAD exomes below 0.00001; gnomAD 0.00001; TOPMed 0.00002.
gnomAD v4.1: 6 of 1,613,140 alleles (0.00037%); highest among the groups gnomAD compares: Admixed American, 0.0017%; no homozygotes.

Submissions (2):

Fulgent Genetics
Classification: Uncertain significance for Tibial muscular dystrophy; Myopathy, myofibrillar, 9, with early respiratory failure; Dilated cardiomyopathy 1G; Autosomal recessive limb-girdle muscular dystrophy type 2J; Early-onset myopathy with fatal cardiomyopathy; Hypertrophic cardiomyopathy 9. Last evaluated: 2024-06-11. Review status: criteria provided, single submitter. Criteria: ACMG Guidelines, 2015. Collection method: clinical testing. Allele origin: germline.

Women's Health and Genetics/Laboratory Corporation of America, LabCorp
Classification: Uncertain significance. Last evaluated: 2021-06-01. Review status: criteria provided, single submitter. Criteria: LabCorp Variant Classification Summary - May 2015. Collection method: clinical testing. Allele origin: germline.
Comment: Variant summary: TTN c.52355G>A (p.Gly17452Asp) results in a non-conservative amino acid change located in the A-band region of the encoded protein sequence. Three of five in-silico tools predict a damaging effect of the variant on protein function. The variant allele was found at a frequency of 4e-06 in 248218 control chromosomes (gnomAD). The available data on variant occurrences in the general population are insufficient to allow any conclusion about variant significance. To our knowledge, no occurrence of c.52355G>A in individuals affected with Dilated Cardiomyopathy and no experimental evidence demonstrating its impact on protein function have been reported. No clinical diagnostic laboratories have submitted clinical-significance assessments for this variant to ClinVar after 2014. Based on the evidence outlined above, the variant was classified as uncertain significance.